The following is an entry in ClinVar:

NM_001369268.1(ACAN):c.1279A>G (p.Thr427Ala)

Gene: ACAN (aggrecan; plus strand). Cytogenetic location: 15q26.1.
Variant type: single nucleotide variant.
Coding change: c.1279A>G on transcript NM_001369268.1 (MANE Select); coding-DNA position 1279, A replaced by G.
Protein change: p.Thr427Ala; replaces threonine 427 with alanine.
Molecular consequence: missense variant.
Genome position (GRCh38, 1-based): chr15:88,845,732, A>G. VCF-style: chr15-88845732-A-G. GRCh37 (hg19) VCF-style: chr15-89388963-A-G.
Other names: c.1279A>G, p.Thr427Ala (NM_001135.4, NM_001411096.1, NM_001411097.1 and 1 more transcripts); short protein forms T427A.
Identifiers: ClinVar variation 2055225 (VCV002055225.1), dbSNP rs748112955, ClinGen allele CA7719513.

ClinVar aggregate classification (germline): Uncertain significance (1 of 4 stars; one submission).

Allele frequency attached by ClinVar (database versions not stated): gnomAD exomes 0.00001; TOPMed 0.00002; ExAC 0.00003.
gnomAD v4.1: 8 of 1,613,838 alleles (0.0005%); highest among the groups gnomAD compares: South Asian, 0.0088%; no homozygotes.

Submission:

Labcorp Genetics (formerly Invitae), Labcorp
Classification: Uncertain significance. Last evaluated: 2022-10-21. Review status: criteria provided, single submitter. Criteria: Invitae Variant Classification Sherloc (09022015). Collection method: clinical testing. Allele origin: germline.
Comment: This sequence change replaces threonine, which is neutral and polar, with alanine, which is neutral and non-polar, at codon 427 of the ACAN protein (p.Thr427Ala). This variant is present in population databases (rs748112955, gnomAD 0.01%). This variant has not been reported in the literature in individuals affected with ACAN-related conditions. Advanced modeling of protein sequence and biophysical properties (such as structural, functional, and spatial information, amino acid conservation, physicochemical variation, residue mobility, and thermodynamic stability) performed at Invitae indicates that this missense variant is not expected to disrupt ACAN protein function. In summary, the available evidence is currently insufficient to determine the role of this variant in disease. Therefore, it has been classified as a Variant of Uncertain Significance.